The following is an entry in ClinVar:

ClinVar aggregate classification (germline): Uncertain significance. Review status: criteria provided, multiple submitters, no conflicts (2 of 4 stars). 2 submissions from 2 submitters: Uncertain significance (2). Last evaluated 2025-03-17.

Conditions:
Hereditary cancer-predisposing syndrome. Also called: Tumor predisposition; Hereditary neoplastic syndrome; Neoplastic Syndromes, Hereditary; Hereditary Cancer Syndrome. Identifiers: Orphanet 140162, MedGen C0027672, MeSH D009386, MONDO:0015356.

Submissions (2):

Labcorp Genetics (formerly Invitae), Labcorp
Classification: Uncertain significance for Hereditary cancer-predisposing syndrome. Last evaluated: 2025-03-17. Review status: criteria provided, single submitter. Criteria: Invitae Variant Classification Sherloc (09022015). Collection method: clinical testing. Allele origin: germline.
Comment: This sequence change replaces aspartic acid, which is acidic and polar, with tyrosine, which is neutral and polar, at codon 137 of the RAD50 protein (p.Asp137Tyr). This variant is not present in population databases (gnomAD no frequency). This variant has not been reported in the literature in individuals affected with RAD50-related conditions. ClinVar contains an entry for this variant (Variation ID: 856201). Invitae Evidence Modeling of protein sequence and biophysical properties (such as structural, functional, and spatial information, amino acid conservation, physicochemical variation, residue mobility, and thermodynamic stability) indicates that this missense variant is expected to disrupt RAD50 protein function with a positive predictive value of 80%. In summary, the available evidence is currently insufficient to determine the role of this variant in disease. Therefore, it has been classified as a Variant of Uncertain Significance.

Ambry Genetics
Classification: Uncertain significance for Hereditary cancer-predisposing syndrome. Last evaluated: 2023-02-17. Review status: criteria provided, single submitter. Criteria: Ambry Variant Classification Scheme 2023. Collection method: clinical testing. Allele origin: germline.
Comment: The p.D137Y variant (also known as c.409G>T), located in coding exon 4 of the RAD50 gene, results from a G to T substitution at nucleotide position 409. The aspartic acid at codon 137 is replaced by tyrosine, an amino acid with highly dissimilar properties. This amino acid position is conserved. In addition, this alteration is predicted to be deleterious by in silico analysis. Since supporting evidence is limited at this time, the clinical significance of this alteration remains unclear.

NM_005732.4(RAD50):c.409G>T (p.Asp137Tyr)

Gene: RAD50 (RAD50 double strand break repair protein; plus strand). Cytogenetic location: 5q31.1.
Variant type: single nucleotide variant.
Coding change: c.409G>T on transcript NM_005732.4 (MANE Select); coding-DNA position 409, G replaced by T.
Protein change: p.Asp137Tyr; replaces aspartic acid 137 with tyrosine.
Molecular consequence: missense variant.
Genome position (GRCh38, 1-based): chr5:132,579,360, G>T. VCF-style: chr5-132579360-G-T. GRCh37 (hg19) VCF-style: chr5-131915052-G-T.
Other names: short protein forms D137Y.
Identifiers: ClinVar variation 856201 (VCV000856201.11), dbSNP rs1750460545, ClinGen allele CA360933694.